The following is an entry in ClinVar:

ClinVar aggregate classification (germline): Conflicting classifications of pathogenicity. Review status: criteria provided, conflicting classifications (1 of 4 stars). 7 submissions from 7 submitters: Uncertain significance (6); Likely benign (1). Last evaluated 2026-02-03.

Conditions:
Hereditary cancer-predisposing syndrome. Also called: Neoplastic Syndromes, Hereditary; Hereditary neoplastic syndrome; Hereditary Cancer Syndrome; Tumor predisposition. Identifiers: Orphanet 140162, MedGen C0027672, MeSH D009386, MONDO:0015356.
POLD1-related polyposis and colorectal cancer syndrome (CRCS10). Also called: Colorectal cancer, susceptibility to, 10; Colorectal cancer 10; COLORECTAL CANCER, SUSCEPTIBILITY TO, ON CHROMOSOME 19q. Identifiers: Orphanet 220460, MedGen C2675481, MONDO:0012953, OMIM 612591.
Immunodeficiency 120. Identifiers: MedGen C5935622, MONDO:0970994, OMIM 620836.
Mandibular hypoplasia-deafness-progeroid syndrome. Also called: Mandibular hypoplasia, deafness, progeroid features, and lipodystrophy syndrome. Identifiers: Orphanet 363649, MedGen C3715192, MONDO:0014157, OMIM 615381.

Allele frequency attached by ClinVar (database versions not stated): TOPMed 0.00003; gnomAD exomes 0.00004; gnomAD 0.00005 and 0.00006; ExAC 0.00006.
gnomAD v4.1: 67 of 1,608,202 alleles (0.0042%); highest among the groups gnomAD compares: Admixed American, 0.0067%; no homozygotes.

Submissions (7):

Labcorp Genetics (formerly Invitae), Labcorp
Classification: Uncertain significance for POLD1-related polyposis and colorectal cancer syndrome. Last evaluated: 2026-02-03. Review status: criteria provided, single submitter. Criteria: Invitae Variant Classification Sherloc (09022015). Collection method: clinical testing. Allele origin: germline.
Comment: This sequence change replaces arginine, which is basic and polar, with glutamine, which is neutral and polar, at codon 5 of the POLD1 protein (p.Arg5Gln). This variant is present in population databases (rs748471297, gnomAD 0.02%). This variant has not been reported in the literature in individuals affected with POLD1-related conditions. ClinVar contains an entry for this variant (Variation ID: 408051). Experimental studies and prediction algorithms are not available or were not evaluated, and the functional significance of this variant is currently unknown. In summary, the available evidence is currently insufficient to determine the role of this variant in disease. Therefore, it has been classified as a Variant of Uncertain Significance.

GeneDx
Classification: Uncertain significance. Last evaluated: 2025-02-28. Review status: criteria provided, single submitter. Criteria: GeneDx Variant Classification Process June 2021. Collection method: clinical testing. Allele origin: germline. Affected: yes.
Comment: In silico analysis indicates that this missense variant does not alter protein structure/function; Has not been previously published as pathogenic or benign to our knowledge

Ambry Genetics
Classification: Likely benign for Hereditary cancer-predisposing syndrome. Last evaluated: 2024-12-10. Review status: criteria provided, single submitter. Criteria: Ambry Variant Classification Scheme 2023. Collection method: clinical testing. Allele origin: germline.

Fulgent Genetics
Classification: Uncertain significance for POLD1-related polyposis and colorectal cancer syndrome; Mandibular hypoplasia-deafness-progeroid syndrome; Immunodeficiency 120. Last evaluated: 2024-06-10. Review status: criteria provided, single submitter. Criteria: ACMG Guidelines, 2015. Collection method: clinical testing. Allele origin: germline.

ARUP Laboratories, Molecular Genetics and Genomics, ARUP Laboratories
Classification: Uncertain significance. Last evaluated: 2022-07-22. Review status: criteria provided, single submitter. Criteria: ARUP Molecular Germline Variant Investigation Process 2021. Collection method: clinical testing. Allele origin: germline.
Comment: The POLD1 c.14G>A; p.Arg5Gln variant (rs748471297), to our knowledge, is not reported in the medical literature but is reported in ClinVar (Variation ID: 408051). This variant is found in the general population with an overall allele frequency of 0.0048% (13/268550 alleles) in the Genome Aggregation Database. The arginine at codon 5 is highly conserved, but computational analyses predict that this variant is neutral (REVEL: 0.086). This variant is not located in the exonuclease domain (Palles 2013), and gene-disease association has not been established for variants outside of the exonuclease domain (Seifert 2019). However, given the lack of clinical and functional data, the significance of this variant is uncertain at this time. References: Palles C et al. Germline mutations affecting the proofreading domains of POLE and POLD1 predispose to colorectal adenomas and carcinomas. Nat Genet. 2013 Feb;45(2):136-44. PMID: 23263490. Seifert BA et al. Determining the clinical validity of hereditary colorectal cancer and polyposis susceptibility genes using the Clinical Genome Resource Clinical Validity Framework. Genet Med. 2019 Jul;21(7):1507-1516. PMID: 30523343.

Department of Pathology and Laboratory Medicine, Sinai Health System
Classification: Uncertain significance for POLD1-related polyposis and colorectal cancer syndrome; Mandibular hypoplasia-deafness-progeroid syndrome; Immunodeficiency 120. Last evaluated: 2020-07-14. Review status: criteria provided, single submitter. Criteria: ACMG Guidelines, 2015. Collection method: research. Allele origin: germline.

Quest Diagnostics Nichols Institute San Juan Capistrano
Classification: Uncertain significance. Last evaluated: 2019-05-10. Review status: criteria provided, single submitter. Criteria: Quest Diagnostics criteria. Collection method: clinical testing. Allele origin: germline.

NM_002691.4(POLD1):c.14G>A (p.Arg5Gln)

Gene: POLD1 (DNA polymerase delta 1, catalytic subunit; plus strand). Cytogenetic location: 19q13.33.
Variant type: single nucleotide variant.
Coding change: c.14G>A on transcript NM_002691.4 (MANE Select); coding-DNA position 14, G replaced by A.
Protein change: p.Arg5Gln; replaces arginine 5 with glutamine.
Molecular consequence: missense variant. On other transcripts: non-coding transcript variant (1).
Genome position (GRCh38, 1-based): chr19:50,398,865, G>A. VCF-style: chr19-50398865-G-A. GRCh37 (hg19) VCF-style: chr19-50902122-G-A.
Other names: c.14G>A (NM_002691.2); c.14G>A, p.Arg5Gln (NM_001256849.1, NM_001308632.1); short protein forms R5Q.
Identifiers: ClinVar variation 408051 (VCV000408051.22), dbSNP rs748471297, ClinGen allele CA9595581.